The following is an entry in ClinVar:

NM_003737.4(DCHS1):c.3898C>T (p.Pro1300Ser)

Gene: DCHS1 (dachsous cadherin-related 1; minus strand). Cytogenetic location: 11p15.4.
Variant type: single nucleotide variant.
Coding change: c.3898C>T on transcript NM_003737.4 (MANE Select); coding-DNA position 3898, C replaced by T.
Protein change: p.Pro1300Ser; replaces proline 1300 with serine.
Molecular consequence: missense variant.
Genome position (GRCh38, 1-based): chr11:6,631,085, G>A on the plus strand (C>T on the coding strand, the complement: DCHS1 is on the minus strand). VCF-style: chr11-6631085-G-A. GRCh37 (hg19) VCF-style: chr11-6652316-G-A.
Other names: short protein forms P1300S.
Identifiers: ClinVar variation 1493677 (VCV001493677.9), dbSNP rs201667197, ClinGen allele CA5860404.

ClinVar aggregate classification (germline): Uncertain significance. Review status: criteria provided, multiple submitters, no conflicts (2 of 4 stars). 2 submissions from 2 submitters: Uncertain significance (2). Last evaluated 2025-03-31.

Conditions:
Van Maldergem syndrome 1 (VMLDS1). Also called: Van Maldergem syndrome 1 (VMLDS1). Identifiers: Orphanet 314679, MedGen C4551950, MONDO:0011070, OMIM 601390.
Mitral valve prolapse, myxomatous 2. Also called: MMVP2; Mitral valve prolapse 2. Identifiers: MedGen C1843003, MONDO:0011915, OMIM 607829.

Allele frequency attached by ClinVar (database versions not stated): gnomAD 0.00003 and 0.00005; ESP Exome Variant Server 0.00008; 1000 Genomes Project 0.00060; gnomAD exomes 0.00002; ExAC 0.00003; 1000 Genomes Project 30x 0.00047.
gnomAD v4.1: 11 of 1,611,858 alleles (0.00068%); highest among the groups gnomAD compares: African/African-American, 0.013%; no homozygotes.

Submissions (2):

Labcorp Genetics (formerly Invitae), Labcorp
Classification: Uncertain significance. Last evaluated: 2025-03-31. Review status: criteria provided, single submitter. Criteria: Invitae Variant Classification Sherloc (09022015). Collection method: clinical testing. Allele origin: germline.
Comment: This sequence change replaces proline, which is neutral and non-polar, with serine, which is neutral and polar, at codon 1300 of the DCHS1 protein (p.Pro1300Ser). This variant is present in population databases (rs201667197, gnomAD 0.02%). This variant has not been reported in the literature in individuals affected with DCHS1-related conditions. ClinVar contains an entry for this variant (Variation ID: 1493677). Invitae Evidence Modeling of protein sequence and biophysical properties (such as structural, functional, and spatial information, amino acid conservation, physicochemical variation, residue mobility, and thermodynamic stability) indicates that this missense variant is not expected to disrupt DCHS1 protein function with a negative predictive value of 80%. In summary, the available evidence is currently insufficient to determine the role of this variant in disease. Therefore, it has been classified as a Variant of Uncertain Significance.

Fulgent Genetics
Classification: Uncertain significance for Van Maldergem syndrome 1; Mitral valve prolapse, myxomatous 2. Last evaluated: 2024-03-29. Review status: criteria provided, single submitter. Criteria: ACMG Guidelines, 2015. Collection method: clinical testing. Allele origin: germline.